The following is an entry in ClinVar:

ClinVar aggregate classification (germline): Pathogenic (1 of 4 stars; one submission).

Conditions:
Galactosylceramide beta-galactosidase deficiency. Also called: Krabbe Disease; GALACTOCEREBROSIDASE DEFICIENCY; GALC DEFICIENCY; GLOBOID CELL LEUKOENCEPHALOPATHY; Leukodystrophy, Globoid Cell. Identifiers: Orphanet 487, MedGen C0023521, MONDO:0009499, OMIM 245200.

Submission:

Foundation for Research in Genetics and Endocrinology, FRIGE's Institute of Human Genetics
Classification: Pathogenic for Galactosylceramide beta-galactosidase deficiency. Last evaluated: 2021-09-18. Review status: criteria provided, single submitter. Criteria: ACMG Guidelines, 2015. Collection method: clinical testing. Allele origin: germline. Inheritance: Autosomal recessive inheritance. Affected: yes. Observed: 1 compound heterozygote.
Comment: A heterozygous frameshift variation in exon 15 of the GALC gene that results in the termination of amino acid 3 codons downstream of Threonine at codon 608 was detected. The observed variant c.1821dup(p.Thr608TyrfsTer3) has not been reported in the 1000 genomes and gnomAD databases. The in silico prediction of the variant is disease causing by MutationTaster2. The reference codon is conserved across species. In summary, the variant meets our criteria to be classified as a pathogenic variant.

NM_000153.4(GALC):c.1821dup (p.Thr608fs)

Gene: GALC (galactosylceramidase; minus strand). Cytogenetic location: 14q31.3.
Variant type: Duplication.
Coding change: c.1821dup on transcript NM_000153.4 (MANE Select); coding-DNA position 1821, one base duplicated (T; older notation c.1821dupT).
Protein change: p.Thr608fs; shifts the reading frame from threonine 608.
Molecular consequence: frameshift variant.
Genome position (GRCh38, 1-based): chr14:87,941,408, A duplicated on the plus strand (T on the coding strand, the reverse complement: GALC is on the minus strand); the first of 2 consecutive A bases (chr14:87,941,408-87,941,409); duplicating either gives the same sequence. VCF-style (leftmost placement, unchanged base first): chr14-87941407-T-TA. GRCh37 (hg19) VCF-style: chr14-88407751-T-TA.
Other names: p.Thr608TyrfsTer3; c.1752dup, p.Thr585fs (NM_001201401.2); c.1743dup, p.Thr582fs (NM_001201402.2); short protein forms T582fs, T585fs, T608fs.
Identifiers: ClinVar variation 1299228 (VCV001299228.3), dbSNP rs2139941220, ClinGen allele CA2499222753.